The following is an entry in ClinVar:

ClinVar aggregate classification (germline): Likely pathogenic (1 of 4 stars; one submission).

Allele frequency attached by ClinVar (database versions not stated): gnomAD exomes below 0.00001; TOPMed below 0.00001.
gnomAD v4.1: 1 of 1,614,168 alleles (0.000062%); highest among the groups gnomAD compares: Non-Finnish European, 0.000085%; no homozygotes.

Submission:

Labcorp Genetics (formerly Invitae), Labcorp
Classification: Likely pathogenic. Last evaluated: 2023-09-23. Review status: criteria provided, single submitter. Criteria: Invitae Variant Classification Sherloc (09022015). Collection method: clinical testing. Allele origin: germline.
Comment: In summary, the currently available evidence indicates that the variant is pathogenic, but additional data are needed to prove that conclusively. Therefore, this variant has been classified as Likely Pathogenic. Algorithms developed to predict the effect of sequence changes on RNA splicing suggest that this variant may disrupt the consensus splice site. This variant has not been reported in the literature in individuals affected with COL17A1-related conditions. This variant is not present in population databases (gnomAD no frequency). This sequence change affects an acceptor splice site in intron 25 of the COL17A1 gene. It is expected to disrupt RNA splicing. Variants that disrupt the donor or acceptor splice site typically lead to a loss of protein function (PMID: 16199547), and loss-of-function variants in COL17A1 are known to be pathogenic (PMID: 16473856, 17344927, 20301304, 21357940, 24319098).

Literature cited by the submitters: PubMed 16199547; PubMed 16473856; PubMed 17344927; PubMed 20301304; PubMed 21357940; PubMed 24319098.

NM_000494.4(COL17A1):c.2039-2A>G

Gene: COL17A1 (collagen type XVII alpha 1 chain; minus strand). Cytogenetic location: 10q25.1.
Variant type: single nucleotide variant.
Coding change: c.2039-2A>G on transcript NM_000494.4 (MANE Select); the canonical splice acceptor site of the intron before coding-DNA position 2039, A replaced by G.
Molecular consequence: splice acceptor variant.
Genome position (GRCh38, 1-based): chr10:104,050,903, T>C on the plus strand (A>G on the coding strand, the complement: COL17A1 is on the minus strand). VCF-style: chr10-104050903-T-C. GRCh37 (hg19) VCF-style: chr10-105810661-T-C.
Identifiers: ClinVar variation 2762965 (VCV002762965.3), dbSNP rs2086462942, ClinGen allele CA378069632.
Genomic context (GRCh38, chr10:104,050,903, plus strand): 5'-CTTACCTTTGACACCAGGAAGTCCTACTTCACCTCGGAGCCCTTGGAGACCTACAGGACC[T>C]GCCCGGCAGAAGAAACCATGCACACAGATGAGTATCCCTAGCTTTGGAATGATGAGACAT-3'